The following is an entry in ClinVar:

NM_024513.4(FYCO1):c.402G>A (p.Trp134Ter)

Gene: FYCO1 (FYVE and coiled-coil domain autophagy adaptor 1; minus strand). Cytogenetic location: 3p21.31.
Variant type: single nucleotide variant.
Coding change: c.402G>A on transcript NM_024513.4 (MANE Select); coding-DNA position 402, G replaced by A.
Protein change: p.Trp134Ter; replaces tryptophan 134 with a stop codon.
Molecular consequence: nonsense. On other transcripts: non-coding transcript variant (1), intron variant (2).
Genome position (GRCh38, 1-based): chr3:45,973,225, C>T on the plus strand (G>A on the coding strand, the complement: FYCO1 is on the minus strand). VCF-style: chr3-45973225-C-T. GRCh37 (hg19) VCF-style: chr3-46014717-C-T.
Other names: c.402G>A, p.Trp134Ter (NM_001386421.1, NM_001386422.1, NM_001386423.1 and 4 more transcripts); c.282G>A, p.Trp94Ter (NM_001386426.1); c.-61-3460G>A (NM_001386430.1); c.395+2014G>A (NM_001386427.1); short protein forms W134*, W94*.
Identifiers: ClinVar variation 3778776 (VCV003778776.1).

ClinVar aggregate classification (germline): Pathogenic (1 of 4 stars; one submission).

Conditions:
Cataract 18 (CATC2). Also called: CATARACT 18, AUTOSOMAL RECESSIVE. Identifiers: Orphanet 91492, Orphanet 98991, Orphanet 98992, Orphanet 98995, MedGen C1864908, MONDO:0012395, OMIM 610019.

gnomAD v4.1: 4 of 1,614,014 alleles (0.00025%); highest among the groups gnomAD compares: Non-Finnish European, 0.00034%; no homozygotes.

Submission:

Daryl Scott Lab, Baylor College of Medicine
Classification: Pathogenic for Cataract 18. Last evaluated: 2024-04-01. Review status: criteria provided, single submitter. Criteria: ACMG Guidelines, 2015. Collection method: clinical testing. Allele origin: maternal. Observed: 1 heterozygote.
Comment: PVS1, PM2